The following is an entry in ClinVar:

ClinVar aggregate classification (germline): Conflicting classifications of pathogenicity. Review status: criteria provided, conflicting classifications (1 of 4 stars). 3 submissions from 3 submitters: Uncertain significance (2); Likely benign (1). Last evaluated 2025-12-24.

Conditions:
Hereditary cancer-predisposing syndrome. Also called: Neoplastic Syndromes, Hereditary; Tumor predisposition; Hereditary neoplastic syndrome; Hereditary Cancer Syndrome. Identifiers: Orphanet 140162, MedGen C0027672, MeSH D009386, MONDO:0015356.
Hereditary breast ovarian cancer syndrome. Also called: Hereditary breast and ovarian cancer syndrome; Hereditary breast and ovarian cancer; Hereditary breast and ovarian cancer syndrome (HBOC); Breast and ovarian cancer; Hereditary breast and/or ovarian cancer syndrome; BRCA1- and BRCA2-Associated Hereditary Breast and Ovarian Cancer. Identifiers: Orphanet 145, MedGen C0677776, MeSH D061325, MONDO:0003582. Disease mechanism: loss of function.

Submissions (3):

Labcorp Genetics (formerly Invitae), Labcorp
Classification: Uncertain significance for Hereditary breast ovarian cancer syndrome. Last evaluated: 2025-12-24. Review status: criteria provided, single submitter. Criteria: Invitae Variant Classification Sherloc (09022015). Collection method: clinical testing. Allele origin: germline.
Comment: This sequence change replaces glycine, which is neutral and non-polar, with cysteine, which is neutral and slightly polar, at codon 3153 of the BRCA2 protein (p.Gly3153Cys). This variant is not present in population databases (gnomAD no frequency). This variant has not been reported in the literature in individuals affected with BRCA2-related conditions. ClinVar contains an entry for this variant (Variation ID: 630068). Invitae Evidence Modeling of protein sequence and biophysical properties (such as structural, functional, and spatial information, amino acid conservation, physicochemical variation, residue mobility, and thermodynamic stability) indicates that this missense variant is not expected to disrupt BRCA2 protein function with a negative predictive value of 95%. In summary, the available evidence is currently insufficient to determine the role of this variant in disease. Therefore, it has been classified as a Variant of Uncertain Significance.

Ambry Genetics
Classification: Likely benign for Hereditary cancer-predisposing syndrome. Last evaluated: 2025-08-20. Review status: criteria provided, single submitter. Criteria: Ambry Variant Classification Scheme 2023. Collection method: clinical testing. Allele origin: germline.

Color Diagnostics, LLC DBA Color Health
Classification: Uncertain significance for Hereditary cancer-predisposing syndrome. Last evaluated: 2019-06-02. Review status: criteria provided, single submitter. Criteria: ACMG Guidelines, 2015. Collection method: clinical testing. Allele origin: germline.

Literature cited by the submitters: PubMed 39779848 (cited by Ambry Genetics); PubMed 39779857 (cited by Ambry Genetics).

NM_000059.4(BRCA2):c.9457G>T (p.Gly3153Cys)

Gene: BRCA2 (BRCA2 DNA repair associated; plus strand). Cytogenetic location: 13q13.1.
Variant type: single nucleotide variant.
Coding change: c.9457G>T on transcript NM_000059.4 (MANE Select); coding-DNA position 9457, G replaced by T.
Protein change: p.Gly3153Cys; replaces glycine 3153 with cysteine.
Molecular consequence: missense variant.
Genome position (GRCh38, 1-based): chr13:32,394,889, G>T. VCF-style: chr13-32394889-G-T. GRCh37 (hg19) VCF-style: chr13-32969026-G-T.
Other names: short protein forms G3153C.
Identifiers: ClinVar variation 630068 (VCV000630068.6), dbSNP rs1566259215, ClinGen allele CA387761682.